The following is an entry in ClinVar:

ClinVar aggregate classification (germline): Likely benign. Review status: criteria provided, single submitter (1 of 4 stars). 2 submissions from 2 submitters: Likely benign (1). 1 of the submissions does not count toward it. Last evaluated 2025-09-16.

Conditions:
PPARG-related disorder. Also called: PPARG-related disorders; PPARG-related condition.

Submissions (2):

Labcorp Genetics (formerly Invitae), Labcorp
Classification: Likely benign. Last evaluated: 2025-09-16. Review status: criteria provided, single submitter. Criteria: Invitae Variant Classification Sherloc (09022015). Collection method: clinical testing. Allele origin: germline.

PreventionGenetics, part of Exact Sciences
Classification: Likely benign for PPARG-related condition. Last evaluated: 2023-06-26. Review status: no assertion criteria provided. Collection method: clinical testing. Allele origin: germline. Not counted in ClinVar's aggregate classification.
Comment: This variant is classified as likely benign based on ACMG/AMP sequence variant interpretation guidelines (Richards et al. 2015 PMID: 25741868, with internal and published modifications).

NM_138711.6(PPARG):c.391-5dup

Gene: PPARG (peroxisome proliferator activated receptor gamma; plus strand). Cytogenetic location: 3p25.2.
Variant type: Duplication.
Coding change: c.391-5dup on transcript NM_138711.6 (MANE Select); 5 bases into the intron before coding-DNA position 391, one base duplicated (T; older notation c.391-5dupT).
Molecular consequence: intron variant.
Genome position (GRCh38, 1-based): chr3:12,392,609, T duplicated; the last of 3 consecutive T bases (chr3:12,392,607-12,392,609); duplicating any one gives the same sequence. VCF-style (leftmost placement, unchanged base first): chr3-12392606-C-CT. GRCh37 (hg19) VCF-style: chr3-12434105-C-CT.
Other names: c.391-5dup (NM_001354666.3, NM_138712.5, NM_005037.7 and 6 more transcripts); c.-37-5dup (NM_001354669.2); c.397-5dup (NM_001374266.1, NM_001354670.2); c.481-5dup (NM_015869.5, NM_001374265.1, NM_001354668.2); c.481-5dupT (NM_015869.4).
Identifiers: ClinVar variation 2877096 (VCV002877096.5), dbSNP rs758686053, ClinGen allele CA2258187.